The following is an entry in ClinVar:

ClinVar aggregate classification (germline): Uncertain significance (1 of 4 stars; one submission).

Conditions:
Cardiovascular phenotype. Identifiers: MedGen CN230736.

Submission:

Ambry Genetics
Classification: Uncertain significance for Cardiovascular phenotype. Last evaluated: 2025-04-12. Review status: criteria provided, single submitter. Criteria: Ambry Variant Classification Scheme 2023. Collection method: clinical testing. Allele origin: germline.
Comment: The p.A9S variant (also known as c.25G>T), located in coding exon 1 of the GATA4 gene, results from a G to T substitution at nucleotide position 25. The alanine at codon 9 is replaced by serine, an amino acid with similar properties. This amino acid position is conserved. In addition, this alteration is predicted to be tolerated by in silico analysis. Based on the available evidence, the clinical significance of this variant remains unclear.

NM_001308093.3(GATA4):c.25G>T (p.Ala9Ser)

Gene: GATA4 (GATA binding protein 4). Cytogenetic location: 8p23.1.
Variant type: single nucleotide variant.
Coding change: c.25G>T on transcript NM_001308093.3 (MANE Select); coding-DNA position 25, G replaced by T.
Protein change: p.Ala9Ser; replaces alanine 9 with serine.
Molecular consequence: missense variant. On other transcripts: intron variant (3).
Genome position (GRCh38, 1-based): chr8:11,708,337, G>T. VCF-style: chr8-11708337-G-T. GRCh37 (hg19) VCF-style: chr8-11565846-G-T.
Other names: c.25G>T, p.Ala9Ser (NM_002052.5); c.-6+7559G>T (NM_001308094.2); c.-3+323G>T (NM_001374274.1); c.-3+4033G>T (NM_001374273.1); short protein forms A9S.
Identifiers: ClinVar variation 4028531 (VCV004028531.1).